The following is an entry in ClinVar:

NM_006231.4(POLE):c.5371A>G (p.Thr1791Ala)

Gene: POLE (DNA polymerase epsilon, catalytic subunit; minus strand). Cytogenetic location: 12q24.33.
Variant type: single nucleotide variant.
Coding change: c.5371A>G on transcript NM_006231.4 (MANE Select); coding-DNA position 5371, A replaced by G.
Protein change: p.Thr1791Ala; replaces threonine 1791 with alanine.
Molecular consequence: missense variant.
Genome position (GRCh38, 1-based): chr12:132,641,654, T>C on the plus strand (A>G on the coding strand, the complement: POLE is on the minus strand). VCF-style: chr12-132641654-T-C. GRCh37 (hg19) VCF-style: chr12-133218240-T-C.
Other names: c.5371A>G (NM_006231.2); short protein forms T1791A.
Identifiers: ClinVar variation 853853 (VCV000853853.9), dbSNP rs775102459, ClinGen allele CA6892557.

ClinVar aggregate classification (germline): Uncertain significance. Review status: criteria provided, multiple submitters, no conflicts (2 of 4 stars). 2 submissions from 2 submitters: Uncertain significance (2). Last evaluated 2025-04-08.

Conditions:
Hereditary cancer-predisposing syndrome. Also called: Neoplastic Syndromes, Hereditary; Hereditary Cancer Syndrome; Tumor predisposition; Hereditary neoplastic syndrome. Identifiers: Orphanet 140162, MedGen C0027672, MeSH D009386, MONDO:0015356.

Allele frequency attached by ClinVar (database versions not stated): ExAC 0.00001; gnomAD exomes 0.00001.
gnomAD v4.1: 4 of 1,613,646 alleles (0.00025%); highest among the groups gnomAD compares: South Asian, 0.0044%; no homozygotes.

Submissions (2):

Labcorp Genetics (formerly Invitae), Labcorp
Classification: Uncertain significance. Last evaluated: 2025-04-08. Review status: criteria provided, single submitter. Criteria: Invitae Variant Classification Sherloc (09022015). Collection method: clinical testing. Allele origin: germline.
Comment: This sequence change replaces threonine, which is neutral and polar, with alanine, which is neutral and non-polar, at codon 1791 of the POLE protein (p.Thr1791Ala). This variant is present in population databases (rs775102459, gnomAD 0.006%). This variant has not been reported in the literature in individuals affected with POLE-related conditions. ClinVar contains an entry for this variant (Variation ID: 853853). Invitae Evidence Modeling of protein sequence and biophysical properties (such as structural, functional, and spatial information, amino acid conservation, physicochemical variation, residue mobility, and thermodynamic stability) indicates that this missense variant is not expected to disrupt POLE protein function with a negative predictive value of 80%. In summary, the available evidence is currently insufficient to determine the role of this variant in disease. Therefore, it has been classified as a Variant of Uncertain Significance.

Ambry Genetics
Classification: Uncertain significance for Hereditary cancer-predisposing syndrome. Last evaluated: 2024-11-09. Review status: criteria provided, single submitter. Criteria: Ambry Variant Classification Scheme 2023. Collection method: clinical testing. Allele origin: germline.
Comment: The p.T1791A variant (also known as c.5371A>G), located in coding exon 39 of the POLE gene, results from an A to G substitution at nucleotide position 5371. The threonine at codon 1791 is replaced by alanine, an amino acid with similar properties. This amino acid position is conserved. In addition, this alteration is predicted to be tolerated by in silico analysis. Based on the available evidence, the clinical significance of this variant remains unclear.